The following is an entry in ClinVar:

NM_001371395.1(USP53):c.2008G>C (p.Val670Leu)

Gene: USP53 (ubiquitin specific peptidase 53; plus strand). Cytogenetic location: 4q26.
Variant type: single nucleotide variant.
Coding change: c.2008G>C on transcript NM_001371395.1 (MANE Select); coding-DNA position 2008, G replaced by C.
Protein change: p.Val670Leu; replaces valine 670 with leucine.
Molecular consequence: missense variant.
Genome position (GRCh38, 1-based): chr4:119,271,868, G>C. VCF-style: chr4-119271868-G-C. GRCh37 (hg19) VCF-style: chr4-120193023-G-C.
Other names: c.1855G>C, p.Val619Leu (NM_001371396.1, NM_001389661.1); c.2008G>C, p.Val670Leu (NM_001371397.1, NM_001371398.1, NM_001371399.1 and 3 more transcripts); c.1858G>C, p.Val620Leu (NM_001389660.1); c.1660G>C, p.Val554Leu (NM_001389662.1, NM_001389663.1, NM_001389664.1 and 1 more transcripts); c.1507G>C, p.Val503Leu (NM_001389665.1, NM_001389667.1); short protein forms V670L, V620L, V554L, V503L, V619L.
Identifiers: ClinVar variation 4705711 (VCV004705711.1).

ClinVar aggregate classification (germline): Uncertain significance (1 of 4 stars; one submission).

Submission:

Labcorp Genetics (formerly Invitae), Labcorp
Classification: Uncertain significance. Last evaluated: 2025-11-12. Review status: criteria provided, single submitter. Criteria: Invitae Variant Classification Sherloc (09022015). Collection method: clinical testing. Allele origin: germline.
Comment: This sequence change replaces valine, which is neutral and non-polar, with leucine, which is neutral and non-polar, at codon 670 of the USP53 protein (p.Val670Leu). This variant is present in population databases (no rsID available, gnomAD 0.009%). This variant has not been reported in the literature in individuals affected with USP53-related conditions. Invitae Evidence Modeling of protein sequence and biophysical properties (such as structural, functional, and spatial information, amino acid conservation, physicochemical variation, residue mobility, and thermodynamic stability) indicates that this missense variant is not expected to disrupt USP53 protein function with a negative predictive value of 80%. In summary, the available evidence is currently insufficient to determine the role of this variant in disease. Therefore, it has been classified as a Variant of Uncertain Significance.